The following is an entry in ClinVar:

NM_001025295.3(IFITM5):c.119C>T (p.Ser40Leu)

Gene: IFITM5 (interferon induced transmembrane protein 5; minus strand). Cytogenetic location: 11p15.5.
Variant type: single nucleotide variant.
Coding change: c.119C>T on transcript NM_001025295.3 (MANE Select); coding-DNA position 119, C replaced by T.
Protein change: p.Ser40Leu; replaces serine 40 with leucine.
Molecular consequence: missense variant.
Genome position (GRCh38, 1-based): chr11:299,372, G>A on the plus strand (C>T on the coding strand, the complement: IFITM5 is on the minus strand). VCF-style: chr11-299372-G-A. GRCh37 (hg19) VCF-style: chr11-299372-G-A.
Other names: short protein forms S40L.
Identifiers: ClinVar variation 183677 (VCV000183677.23), dbSNP rs786201032, ClinGen allele CA186137.

ClinVar aggregate classification (germline): Pathogenic. Review status: criteria provided, multiple submitters, no conflicts (2 of 4 stars). 10 submissions from 10 submitters: Pathogenic (9). 1 of the submissions does not count toward it. Last evaluated 2025-09-03.

Conditions:
IFITM5-related disorder. Also called: IFITM5-related condition.
IFITM5-related disorders.
Osteogenesis imperfecta type 5 (OI5). Also called: OSTEOGENESIS IMPERFECTA, TYPE V; OI type 5; Type V OI. Identifiers: Orphanet 216828, MedGen C2931093, MONDO:0012591, OMIM 610967.

Submissions (10):

Variantyx, Inc.
Classification: Pathogenic for Osteogenesis imperfecta type 5. Last evaluated: 2025-09-03. Review status: criteria provided, single submitter. Criteria: Variantyx Assertion Criteria 2022. Collection method: clinical testing. Allele origin: de novo. Inheritance: Autosomal dominant inheritance. Affected: yes.
Comment: This is a nonsynonymous variant in the IFITM5 gene (OMIM: 614757). Pathogenic variants in this gene have been associated with autosomal dominant osteogenesis imperfecta type V. This variant has been reported in at least 6 unrelated affected individuals (PMID: 24478195, 24293101, 24519609, 29595812, 30039845, 30289614, 31994750) (PS4_Moderate). An alternate amino acid change at this position (p. Ser40Trp) has been previously reported in similarly affected individuals, which suggests that this residue is biologically important (PMID: 30985308, 34567078) (PM5). Multiple computational algorithms predict a deleterious effect for this variant (REVEL score: 0.962) (PP3). This variant is absent from control populations (PM2). Based on the current evidence, this variant is classified as pathogenic for autosomal dominant osteogenesis imperfecta type V.

PreventionGenetics, part of Exact Sciences
Classification: Pathogenic for IFITM5-related condition. Last evaluated: 2025-03-12. Review status: criteria provided, single submitter. Criteria: ACMG Guidelines, 2015. Collection method: clinical testing. Allele origin: germline.
Comment: The IFITM5 c.119C>T variant is predicted to result in the amino acid substitution p.Ser40Leu. This variant is a known pathogenic variant that has been reported as de novo in multiple individuals with osteogenesis imperfecta (Guillén-Navarro et al. 2014. PubMed ID: 24478195; Hoyer-Kuhn et al. 2014. PubMed ID: 24293101; Farber et al. 2014. PubMed ID: 24519609; Rodriguez Celin et al. 2018. PubMed ID: 30039845; Han et al. 2020. PubMed ID: 31994750). This variant has been reported in a patient presenting antenatal and postnatal features of severely bowed long bones, small chest, diaphyseal hyperostosis and polyhydramnios (Yap et al. 2024. PMID: 37799085). It is classified as pathogenic in ClinVar. This variant has not been reported in a large population database, indicating this variant is rare. We interpret this variant to be pathogenic.

3billion
Classification: Pathogenic for Osteogenesis imperfecta type 5. Last evaluated: 2024-10-31. Review status: criteria provided, single submitter. Criteria: ACMG Guidelines, 2015. Collection method: clinical testing. Allele origin: germline. Affected: yes.
Comment: The variant is not observed in the gnomAD v4.1.0 dataset. Predicted Consequence/Location: Missense variant. Missense changes are a common disease-causing mechanism. In silico tool predictions suggest damaging effect of the variant on gene or gene product [REVEL: 0.96 (>=0.6, sensitivity 0.68 and specificity 0.92); 3Cnet: 0.12 (>=0.6, sensitivity 0.72 and precision 0.9)]. The same nucleotide change resulting in the same amino acid change has been previously reported as pathogenic/likely pathogenic with strong evidence (ClinVar ID: VCV000183677 /PMID: 24478195). A different missense change at the same codon (p.Ser40Trp) has been reported as pathogenic/likely pathogenic with strong evidence (ClinVar ID: VCV000689498 /PMID: 30985308). Therefore, this variant is classified as Pathogenic according to the recommendation of ACMG/AMP guideline.

Clinical Genetics and Genomics, Karolinska University Hospital
Classification: Pathogenic for Osteogenesis imperfecta type 5. Last evaluated: 2024-09-10. Review status: criteria provided, single submitter. Criteria: ACMG Guidelines, 2015. Collection method: clinical testing. Allele origin: de novo. Affected: yes.

Women's Health and Genetics/Laboratory Corporation of America, LabCorp
Classification: Pathogenic for Osteogenesis imperfecta type 5. Last evaluated: 2024-09-04. Review status: criteria provided, single submitter. Criteria: LabCorp Variant Classification Summary - May 2015. Collection method: clinical testing. Allele origin: germline.
Comment: Variant summary: IFITM5 c.119C>T (p.Ser40Leu) results in a non-conservative amino acid change in the encoded protein sequence. Five of five in-silico tools predict a damaging effect of the variant on protein function. The variant was absent in 217238 control chromosomes. c.119C>T has been reported in the literature, arising de novo in at-least two individuals affected with Osteogenesis Imperfecta (example, Chandler_2018, Yap_2024). These data indicate that the variant may be associated with disease. To our knowledge, no experimental evidence demonstrating an impact on protein function has been reported. The following publications have been ascertained in the context of this evaluation (PMID: 29595812, 37799085). ClinVar contains an entry for this variant (Variation ID: 183677). Based on the evidence outlined above, the variant was classified as pathogenic.

Labcorp Genetics (formerly Invitae), Labcorp
Classification: Pathogenic. Last evaluated: 2023-10-13. Review status: criteria provided, single submitter. Criteria: Invitae Variant Classification Sherloc (09022015). Collection method: clinical testing. Allele origin: germline.
Comment: This sequence change replaces serine, which is neutral and polar, with leucine, which is neutral and non-polar, at codon 40 of the IFITM5 protein (p.Ser40Leu). This variant is not present in population databases (gnomAD no frequency). This missense change has been observed in individual(s) with osteogenesis imperfecta (PMID: 24478195, 24519609, 29595812). In at least one individual the variant was observed to be de novo. ClinVar contains an entry for this variant (Variation ID: 183677). An algorithm developed to predict the effect of missense changes on protein structure and function (PolyPhen-2) suggests that this variant is likely to be disruptive. For these reasons, this variant has been classified as Pathogenic.

GeneDx
Classification: Pathogenic. Last evaluated: 2021-12-29. Review status: criteria provided, single submitter. Criteria: GeneDx Variant Classification Process June 2021. Collection method: clinical testing. Allele origin: germline. Affected: yes.
Comment: Not observed in large population cohorts (gnomAD); In silico analysis, which includes protein predictors and evolutionary conservation, supports a deleterious effect; This variant is associated with the following publications: (PMID: 24293101, 28232077, 24519609, 24478195, 30039845, 28880886, 28548288, 27914223, 27678411, 27579219, 25387264, 30289614, 24715519, 29595812, 28319678, 31994750, 33942288, 33726816)

Blueprint Genetics
Classification: Pathogenic for IFITM5-related disorders. Last evaluated: 2019-06-20. Review status: criteria provided, single submitter. Criteria: ACMG Guidelines, 2015. Collection method: clinical testing. Allele origin: germline. Affected: yes. Observed: 1 variant allele.

Kasturba Medical College, Manipal, Kasturba Medical College, Manipal, Manipal Academy of Higher Education, Manipal, India
Classification: Pathogenic for Osteogenesis imperfecta type 5. Review status: criteria provided, single submitter. Criteria: ACMG Guidelines, 2015. Collection method: research. Allele origin: de novo. Inheritance: Autosomal dominant inheritance. Affected: yes. Observed: 1 heterozygote.
Comment: The variant is absent in gnomAD (v4.1.0) and our in-house database of 3419 exomes.

OMIM
Classification: Pathogenic for OSTEOGENESIS IMPERFECTA, TYPE V. Last evaluated: 2014-06-01. Review status: no assertion criteria provided. Collection method: literature only. Allele origin: germline. Not counted in ClinVar's aggregate classification.

Literature cited by the submitters: PubMed 30985308 (cited by Variantyx, Inc. and 3billion); PubMed 34567078 (cited by Variantyx, Inc.); PubMed 24478195 (cited by 3 submitters); PubMed 24293101 (cited by Variantyx, Inc.); PubMed 24519609 (cited by 3 submitters); PubMed 29595812 (cited by 3 submitters); PubMed 30039845 (cited by Variantyx, Inc.); PubMed 30289614 (cited by Variantyx, Inc.); PubMed 31994750 (cited by Variantyx, Inc.); PubMed 37799085 (cited by Women's Health and Genetics/Laboratory Corporation of America, LabCorp); Guillen-Navarro, E., Ballesta-Martinez, M. J., Valencia, M., Bueno, A. M., Martinez-Glez, V., Lopez-Gonzalez, V., Burnyte, B., Utkus, A., Lapunzina, P., Ruiz-Perez, V. L. Two mutations in IFITM5 causing distinct forms of osteogenesis imperfecta. Am. J. Med. Genet. 164A: 1136-1142, 2014. (cited by OMIM); Farber, C. R., Reich, A., Barnes, A. M., Becerra, P., Rauch, F., Cabral, W. A., Bae, A., Quinlan, A., Glorieux, F. H., Clemens, T. L., Marini, J. C. A novel IFITM5 mutation in severe atypical osteogenesis imperfecta type VI impairs osteoblast production of pigment epithelium-derived factor. J. Bone Miner. Res. 29: 1402-1411, 2014. (cited by OMIM); Dagdeviren, D., Tamimi, F., Lee, B., Sutton, R., Rauch, F., Retrouvey, J.-M. Dental and craniofacial characteristics caused by the p.Ser40Leu mutation in IFITM5. Am. J. Med. Genet. 179A: 65-70, 2019. (cited by OMIM).